The following is an entry in ClinVar:

ClinVar aggregate classification (germline): Uncertain significance. Review status: criteria provided, multiple submitters, no conflicts (2 of 4 stars). 2 submissions from 2 submitters: Uncertain significance (2). Last evaluated 2023-12-13.

Conditions:
Developmental delay with or without dysmorphic facies and autism. Identifiers: MedGen C5193106, MONDO:0032760, OMIM 618454.

Allele frequency attached by ClinVar (database versions not stated): gnomAD exomes below 0.00001 and 0.00001; gnomAD 0.00001; TOPMed 0.00002.

Submissions (2):

Labcorp Genetics (formerly Invitae), Labcorp
Classification: Uncertain significance. Last evaluated: 2023-12-13. Review status: criteria provided, single submitter. Criteria: Invitae Variant Classification Sherloc (09022015). Collection method: clinical testing. Allele origin: germline.
Comment: This sequence change replaces methionine, which is neutral and non-polar, with leucine, which is neutral and non-polar, at codon 3362 of the TRRAP protein (p.Met3362Leu). This variant is present in population databases (no rsID available, gnomAD 0.01%). This variant has not been reported in the literature in individuals affected with TRRAP-related conditions. ClinVar contains an entry for this variant (Variation ID: 1184297). Advanced modeling of protein sequence and biophysical properties (such as structural, functional, and spatial information, amino acid conservation, physicochemical variation, residue mobility, and thermodynamic stability) performed at Invitae indicates that this missense variant is not expected to disrupt TRRAP protein function with a negative predictive value of 80%. In summary, the available evidence is currently insufficient to determine the role of this variant in disease. Therefore, it has been classified as a Variant of Uncertain Significance.

New York Genome Center
Classification: Uncertain significance for Developmental delay with or without dysmorphic facies and autism. Last evaluated: 2020-07-10. Review status: criteria provided, single submitter. Criteria: NYGC Assertion Criteria 2020. Collection method: clinical testing. Allele origin: inherited. Observed: 1 heterozygote. Study: CSER-NYCKidSeq.

NM_001375524.1(TRRAP):c.10213A>T (p.Met3405Leu)

Gene: TRRAP (transformation/transcription domain associated protein; plus strand). Cytogenetic location: 7q22.1.
Variant type: single nucleotide variant.
Coding change: c.10213A>T on transcript NM_001375524.1 (MANE Select); coding-DNA position 10213, A replaced by T.
Protein change: p.Met3405Leu; replaces methionine 3405 with leucine.
Molecular consequence: missense variant.
Genome position (GRCh38, 1-based): chr7:98,994,752, A>T. VCF-style: chr7-98994752-A-T. GRCh37 (hg19) VCF-style: chr7-98592375-A-T.
Other names: c.10084A>T, p.Met3362Leu (NM_003496.4); c.10171A>T, p.Met3391Leu (NM_001244580.2); short protein forms M3362L, M3391L, M3405L.
Identifiers: ClinVar variation 1184297 (VCV001184297.6), dbSNP rs1201429732, ClinGen allele CA368332816.